The following is an entry in ClinVar:

NM_001134382.3(IQSEC1):c.42C>T (p.Pro14=)

Gene: IQSEC1 (IQ motif and Sec7 domain ArfGEF 1; minus strand). Cytogenetic location: 3p25.2.
Variant type: single nucleotide variant.
Coding change: c.42C>T on transcript NM_001134382.3 (MANE Select); coding-DNA position 42, C replaced by T.
Protein change: p.Pro14=; no amino-acid change (proline 14 retained).
Molecular consequence: synonymous variant. On other transcripts: 5 prime UTR variant (1).
Genome position (GRCh38, 1-based): chr3:12,941,847, G>A on the plus strand (C>T on the coding strand, the complement: IQSEC1 is on the minus strand). VCF-style: chr3-12941847-G-A. GRCh37 (hg19) VCF-style: chr3-12983347-G-A.
Other names: c.-283C>T (NM_001330619.3); c.366C>T, p.Pro122= (NM_001376938.2); c.84C>T, p.Pro28= (NM_014869.8).
Identifiers: ClinVar variation 3778262 (VCV003778262.8).
Genomic context (GRCh38, chr3:12,941,847, plus strand): 5'-CACCAAGGGGCCCTGGGGGTAGGCTGAGGGGCTGTCCAGGGATGTGCCAGTCTCACTGCT[G>A]GGGGCCTCGCCCTCGACGCTGCAGAGGAGAGAGAGGTGAGAAGCTTCTGGTAAGCGGGAA-3'
Protein context (NP_001127854.1, residues 4-24): RRRYFVEGEA[Pro14=]SSETGTSLDS

ClinVar aggregate classification (germline): Likely benign. Review status: criteria provided, multiple submitters, no conflicts (2 of 4 stars). 2 submissions from 2 submitters: Likely benign (2). Last evaluated 2025-03-01.

gnomAD v4.1: 208 of 1,602,686 alleles (0.013%); highest among the groups gnomAD compares: Non-Finnish European, 0.017%; no homozygotes.

Submissions (2):

CeGaT Center for Human Genetics Tuebingen
Classification: Likely benign. Last evaluated: 2025-03-01. Review status: criteria provided, single submitter. Criteria: CeGaT Center For Human Genetics Tuebingen Variant Classification Criteria Version 2. Collection method: clinical testing. Allele origin: germline. Affected: yes. Observed: 1 variant allele.
Comment: IQSEC1: BP4, BP7

Blueprint Genetics
Classification: Likely benign. Last evaluated: 2022-10-26. Review status: criteria provided, single submitter. Criteria: ACMG Guidelines, 2015. Collection method: clinical testing. Allele origin: germline.